The following is an entry in ClinVar:

NM_015178.3(RHOBTB2):c.862T>A (p.Ser288Thr)

Gene: RHOBTB2 (Rho related BTB domain containing 2; plus strand). Cytogenetic location: 8p21.3.
Variant type: single nucleotide variant.
Coding change: c.862T>A on transcript NM_015178.3 (MANE Select); coding-DNA position 862, T replaced by A.
Protein change: p.Ser288Thr; replaces serine 288 with threonine.
Molecular consequence: missense variant.
Genome position (GRCh38, 1-based): chr8:23,007,107, T>A. VCF-style: chr8-23007107-T-A. GRCh37 (hg19) VCF-style: chr8-22864620-T-A.
Other names: c.928T>A, p.Ser310Thr (NM_001160036.2); c.883T>A, p.Ser295Thr (NM_001160037.2); c.862T>A, p.Ser288Thr (NM_001374791.1); short protein forms S288T, S295T, S310T.
Identifiers: ClinVar variation 3618971 (VCV003618971.2).

ClinVar aggregate classification (germline): Uncertain significance (1 of 4 stars; one submission).

gnomAD v4.1: 7 of 1,609,942 alleles (0.00043%); highest among the groups gnomAD compares: East Asian, 0.0089%; 1 homozygote.

Submission:

Labcorp Genetics (formerly Invitae), Labcorp
Classification: Uncertain significance. Last evaluated: 2024-02-03. Review status: criteria provided, single submitter. Criteria: Invitae Variant Classification Sherloc (09022015). Collection method: clinical testing. Allele origin: germline.
Comment: This sequence change replaces serine, which is neutral and polar, with threonine, which is neutral and polar, at codon 310 of the RHOBTB2 protein (p.Ser310Thr). The frequency data for this variant in the population databases is considered unreliable, as metrics indicate poor data quality at this position in the gnomAD database. This variant has not been reported in the literature in individuals affected with RHOBTB2-related conditions. Advanced modeling of protein sequence and biophysical properties (such as structural, functional, and spatial information, amino acid conservation, physicochemical variation, residue mobility, and thermodynamic stability) performed at Invitae indicates that this missense variant is not expected to disrupt RHOBTB2 protein function with a negative predictive value of 80%. In summary, the available evidence is currently insufficient to determine the role of this variant in disease. Therefore, it has been classified as a Variant of Uncertain Significance.